The following is an entry in ClinVar:

NM_000350.3(ABCA4):c.5196+1137G>A

Gene: ABCA4 (ATP binding cassette subfamily A member 4; minus strand). Cytogenetic location: 1p22.1.
Variant type: single nucleotide variant.
Coding change: c.5196+1137G>A on transcript NM_000350.3 (MANE Select); 1137 bases into the intron after coding-DNA position 5196, G replaced by A.
Molecular consequence: intron variant.
Genome position (GRCh38, 1-based): chr1:94,018,445, C>T on the plus strand (G>A on the coding strand, the complement: ABCA4 is on the minus strand). VCF-style: chr1-94018445-C-T. GRCh37 (hg19) VCF-style: chr1-94484001-C-T.
Other names: NP_000341.2:p.?.
Identifiers: ClinVar variation 438100 (VCV000438100.34), dbSNP rs778234759, ClinGen allele CA26843511.

ClinVar aggregate classification (germline): Pathogenic. Review status: reviewed by expert panel (3 of 4 stars). 23 submissions from 20 submitters: Pathogenic (1). 22 of the submissions do not count toward it. Last evaluated 2025-12-05.

Conditions:
Macular dystrophy. Identifiers: MedGen C0730292, HP:0007754.
ABCA4-related disorder. Also called: ABCA4-related disorders; ABCA4-related condition. Identifiers: MedGen CN239167.
ABCA4-related retinopathy. Also called: ABCA4 retinoapthy; ABCA4-related retinoapthy. Identifiers: MedGen CN322612, MONDO:0800406.
Retinal dystrophy. Also called: Inherited retinal dystrophy. Identifiers: Orphanet 71862, MedGen C0854723, MeSH D058499, MONDO:0019118, HP:0000556.
Cone-rod dystrophy 3 (CORD3). Identifiers: Orphanet 1872, MedGen C1858806, MONDO:0011395, OMIM 604116.
Retinitis pigmentosa 19 (RP19). Also called: ABCA4-Related Retinitis Pigmentosa. Identifiers: Orphanet 791, MedGen C1866422, MONDO:0011137, OMIM 601718.
Age related macular degeneration 2. Also called: MACULAR DEGENERATION, SENILE; MACULOPATHY, AGE-RELATED, 2; MACULOPATHY, AGE-RELATED. Identifiers: MedGen C3495438, MONDO:0007932, OMIM 153800.
Severe early-childhood-onset retinal dystrophy (STGD1). Also called: STGD; Stargardt macular dystrophy; Juvenile onset macular degeneration; Stargardt disease 1; MACULAR DYSTROPHY WITH FLECKS, TYPE 1. Identifiers: Orphanet 364055, Orphanet 827, MedGen C1855465, MeSH D000080362, MONDO:0009549, OMIM 248200.
Cone-rod dystrophy. Also called: Cone-rod degeneration; Cone/cone-rod dystrophy. Identifiers: Orphanet 1872, MedGen C4085590, MONDO:0015993, HP:0000548.
Retinal disorder. Also called: Retinopathy; Retinal disorders; Retinopathies; Retinal Diseases. Identifiers: MedGen C0035309, MONDO:0005283, HP:0000488.
Stargardt disease (FFM). Also called: Stargardt's disease; Fundus flavimaculatus. Identifiers: Orphanet 827, MedGen C0271093, MONDO:0019353.

Allele frequency attached by ClinVar (database versions not stated): gnomAD 0.00012 and 0.00013; TOPMed 0.00015; gnomAD exomes 0.00023.
gnomAD v4.1: 74 of 411,718 alleles (0.018%); highest among the groups gnomAD compares: Non-Finnish European, 0.03%; 1 homozygote.

Submissions 1 to 9 of 23:

ClinGen ABCA4 Variant Curation Expert Panel, Clingen
Classification: Pathogenic for ABCA4-related retinopathy. Last evaluated: 2025-12-05. Review status: reviewed by expert panel. Criteria: ClinGen ABCA4 ACMG Specifications V1.0.0. Collection method: curation. Allele origin: germline. Inheritance: Autosomal recessive inheritance.
Comment: The NM_000350.3(ABCA4):c.5196+1137G>A variant in ABCA4 is an intronic variant which is located in intron 36. The prevalence of the variant in affected individuals is significantly increased compared with the prevalence in controls with an OR = 75.7 and the CI is 41.86-148.41, which is above the ABCA4 VCEP threshold of ≥5, where the CI does not contain 1 (PS4; PMID: 35120629). This variant has been detected in at least 6 individuals with ABCA4-related retinopathy. Of those individuals, all were compound heterozygous for the variant and a pathogenic variant (c.4139C>T ; p.P1380L); [(c.1622T>C; p.L541P; c.3113C>T;p.A1038V]; c.454C>T; p.R152X; c.32T>C; p.Leu11Pro) and 2 of those were confirmed in trans by parental testing (PM3_VeryStrong; PMIDs: 23918662, 28041643, 36909829). The variant has been reported to segregate with ABCA4-related retinopathy in the proband and one affected relative within the same family (PP1; PMID: 31522899). In summary, this variant meets the criteria to be classified as pathogenic for ABCA4-related retinopathy based on the ACMG/AMP criteria applied, as specified by the ClinGen ABCA4 VCEP (Specification Version 1): PS4, PM3_VeryStrong, PP1.

Genetics Laboratory, Great Ormond Street Hospital NHS Foundation Trust, North Thames Genomic Laboratory Hub
Classification: Pathogenic for Retinal disorders. Last evaluated: 2026-09-15. Review status: criteria provided, single submitter. Criteria: ACGS Best Practice Guidelines for Variant Classification in Rare Disease 2024 v1.2. Collection method: clinical testing. Allele origin: germline. Affected: yes. Not counted in ClinVar's aggregate classification.
Comment: PM2_moderate, PVS1_moderate, PM3_very-strong

PreventionGenetics, part of Exact Sciences
Classification: Pathogenic for ABCA4-related condition. Last evaluated: 2026-05-21. Review status: criteria provided, single submitter. Criteria: ACMG Guidelines, 2015. Collection method: clinical testing. Allele origin: germline. Not counted in ClinVar's aggregate classification.
Comment: The ABCA4 c.5196+1137G>A variant is predicted to interfere with splicing. This deep intronic variant has been reported many times in the compound heterozygous state in individuals with Stargardt disease (see for examples: Braun et al. 2013. PubMed ID: 23918662; Table S2, Carss et al. 2017. PubMed ID: 28041643; Table S4, Jespersgaard et al. 2019. PubMed ID: 30718709; Table S1, Lin et al. 2024. PubMed ID: 38219857). A functional study using RT-PCR analysis of the transcript from patient-derived keratinocytes found that normal splicing was altered (Braun et al. 2013. PubMed ID: 23918662). A phenotype-genotype correlation study found that the c.5196+1137G>A variant was mostly associated with a mild phenotype in patients (Nassisi et al. 2019. PubMed ID: 31614660). This variant is reported in 0.013% of alleles in individuals of European (Non-Finnish) descent in gnomAD. This variant has been classified as pathogenic or likely pathogenic by multiple submitters to the ClinVar database. Given all the evidence, we interpret c.5196+1137G>A as pathogenic.

Labcorp Genetics (formerly Invitae), Labcorp
Classification: Pathogenic. Last evaluated: 2025-12-06. Review status: criteria provided, single submitter. Criteria: Invitae Variant Classification Sherloc (09022015). Collection method: clinical testing. Allele origin: germline. Not counted in ClinVar's aggregate classification.
Comment: This sequence change falls in intron 36 of the ABCA4 gene. It does not directly change the encoded amino acid sequence of the ABCA4 protein. RNA analysis indicates that this variant induces altered splicing and may result in an absent or altered protein product. This variant is present in population databases (rs778234759, gnomAD 0.01%). This variant has been observed in individual(s) with Stargardt disease (PMID: 23918662, 25474345, 29925512). In at least one individual the data is consistent with being in trans (on the opposite chromosome) from a pathogenic variant. It has also been observed to segregate with disease in related individuals. ClinVar contains an entry for this variant (Variation ID: 438100). Studies have shown that this variant results in the insertion of an out of frame exon, and produces a non-functional protein and/or introduces a premature termination codon (PMID: 23918662). For these reasons, this variant has been classified as Pathogenic.

Variantyx, Inc.
Classification: Pathogenic for Severe early-childhood-onset retinal dystrophy. Last evaluated: 2025-04-23. Review status: criteria provided, single submitter. Criteria: Variantyx Assertion Criteria 2022. Collection method: clinical testing. Allele origin: germline. Inheritance: Autosomal recessive inheritance. Not counted in ClinVar's aggregate classification.
Comment: This is an intronic variant of intron 36 in the ABCA4 gene (OMIM: 601691). Pathogenic variants in this gene have been associated with autosomal recessive Stargardt disease 1. This variant results in the insertion of an out of frame exon and introduces a premature termination codon and is expected to result in loss of function, which is a known disease mechanism for ABCA4 in this disorder (PMID: 23918662) (PVS1). This variant has been reported in the homozygous or compound heterozygous state in many unrelated affected individuals (PMID: 23918662, 29701254, 29925512, 31614660) (PM3_Very_Strong) and it hs beene observed to segregated with disease. It has a 0.0300% maximum allele frequency in non-founder control populations (PM2_Supporting). Based on the current evidence, this variant is classified as pathogenic for autosomal recessive Stargardt disease 1.

Bioscientia Institut fuer Medizinische Diagnostik GmbH, Sonic Healthcare
Classification: Pathogenic for Severe early-childhood-onset retinal dystrophy. Last evaluated: 2025-02-12. Review status: criteria provided, single submitter. Criteria: ACMG Guidelines, 2015. Collection method: clinical testing. Allele origin: germline. Affected: yes. Not counted in ClinVar's aggregate classification.

North West Genomic Laboratory Hub, Manchester University NHS Foundation Trust
Classification: Pathogenic for Retinal disorders. Last evaluated: 2025-01-22. Review status: criteria provided, single submitter. Criteria: ACGS Best Practice Guidelines for Variant Classification in Rare Disease 2024. Collection method: clinical testing. Allele origin: germline. Affected: yes. Not counted in ClinVar's aggregate classification.
Comment: PM3_VStr PM2_Mod PS3_Str

Women's Health and Genetics/Laboratory Corporation of America, LabCorp
Classification: Pathogenic for Stargardt disease. Last evaluated: 2025-01-14. Review status: criteria provided, single submitter. Criteria: LabCorp Variant Classification Summary - May 2015. Collection method: clinical testing. Allele origin: germline. Not counted in ClinVar's aggregate classification.
Comment: Variant summary: ABCA4 c.5196+1137G>A is located at a position not widely known to affect splicing. Several computational tools predict a significant impact on normal splicing: One predict the variant no significant impact on splicing. One predict the variant strengthens a cryptic 3' acceptor site. One predict the variant creates a 3' acceptor site. At least one publication reports experimental evidence that this variant affects mRNA splicing (Braun_2013). The variant allele was found at a frequency of 9.6e-05 in 31386 control chromosomes. c.5196+1137G>A has been reported in the literature in multiple individuals affected with Stargardt Disease (e.g. Braun_2013) and observed to segregate with disease. These data indicate that the variant is very likely to be associated with disease.The following publication have been ascertained in the context of this evaluation (PMID: 23918662). ClinVar contains an entry for this variant (Variation ID: 438100). Based on the evidence outlined above, the variant was classified as pathogenic.

Blueprint Genetics
Classification: Pathogenic for ABCA4-related disorders. Last evaluated: 2024-11-25. Review status: criteria provided, single submitter. Criteria: ACMG Guidelines, 2015. Collection method: clinical testing. Allele origin: germline. Affected: yes. Observed: 5 variant alleles. Not counted in ClinVar's aggregate classification.